The following is an entry in ClinVar:

NM_000532.5(PCCB):c.183+5G>C

Gene: PCCB (propionyl-CoA carboxylase subunit beta; plus strand). Cytogenetic location: 3q22.3.
Variant type: single nucleotide variant.
Coding change: c.183+5G>C on transcript NM_000532.5 (MANE Select); 5 bases into the intron after coding-DNA position 183, G replaced by C.
Molecular consequence: intron variant.
Genome position (GRCh38, 1-based): chr3:136,250,563, G>C. VCF-style: chr3-136250563-G-C. GRCh37 (hg19) VCF-style: chr3-135969405-G-C.
Other names: c.183+5G>C (NM_001178014.2).
Identifiers: ClinVar variation 2013792 (VCV002013792.4), dbSNP rs879253813, ClinGen allele CA2580068827.
Genomic context (GRCh38, chr3:136,250,563, plus strand): 5'-GCCGGACCGCGCTGCTGGGAGGGGGCCAACGCCGTATTGACGCGCAGCACAAGCGAGTGA[G>C]TCCTGAGGGGCCTAAGTGAGTCCCGCCCCTGGCGTCCGCGACCTATCACTGCGTGCCCGG-3'

ClinVar aggregate classification (germline): Uncertain significance (1 of 4 stars; one submission).

Conditions:
Propionic acidemia (PROP). Also called: GLYCINEMIA, KETOTIC; HYPERGLYCINEMIA WITH KETOACIDOSIS AND LEUKOPENIA; KETOTIC HYPERGLYCINEMIA. Identifiers: Orphanet 35, MedGen C0268579, MONDO:0011628, OMIM 606054, HP:0003571.

Submission:

Labcorp Genetics (formerly Invitae), Labcorp
Classification: Uncertain significance for Propionic acidemia. Last evaluated: 2022-07-05. Review status: criteria provided, single submitter. Criteria: Invitae Variant Classification Sherloc (09022015). Collection method: clinical testing. Allele origin: germline.
Comment: In summary, the available evidence is currently insufficient to determine the role of this variant in disease. Therefore, it has been classified as a Variant of Uncertain Significance. This variant disrupts the c.183+5G nucleotide in the PCCB gene. Other variant(s) that disrupt this nucleotide have been determined to be pathogenic (PMID: 27227689). This suggests that this nucleotide is clinically significant, and that variants that disrupt this position are likely to be disease-causing. Variants that disrupt the consensus splice site are a relatively common cause of aberrant splicing (PMID: 17576681, 9536098). Algorithms developed to predict the effect of sequence changes on RNA splicing suggest that this variant may disrupt the consensus splice site. This variant has not been reported in the literature in individuals affected with PCCB-related conditions. This variant is not present in population databases (gnomAD no frequency). This sequence change falls in intron 1 of the PCCB gene. It does not directly change the encoded amino acid sequence of the PCCB protein. It affects a nucleotide within the consensus splice site.

Literature cited by the submitters: PubMed 27227689; PubMed 17576681; PubMed 9536098.